The following is an entry in ClinVar:

ClinVar aggregate classification (germline): Conflicting classifications of pathogenicity. Review status: criteria provided, conflicting classifications (1 of 4 stars). 17 submissions from 11 submitters: Uncertain significance (4); Benign (7); Likely benign (5). 1 of the submissions does not count toward it. Last evaluated 2026-01-26.

Conditions:
Geleophysic dysplasia. Identifiers: Orphanet 2623, MedGen C3489726, MONDO:0000127.
Connective tissue disorder. Also called: Connective tissue disease. Identifiers: MedGen C0009782, MONDO:0003900.
Cardiovascular phenotype. Identifiers: MedGen CN230736.
Weill-Marchesani syndrome. Also called: WM Syndrome; Mesodermal dysmorphodystrophy congenital. Identifiers: Orphanet 3449, MedGen C0265313, MONDO:0018096.
Marfan syndrome (MFS). Also called: MARFAN SYNDROME, TYPE I; FBN1-Related Marfan Syndrome; Marfan syndrome, classic; Marfan syndrome type 1; Marfan's syndrome. Identifiers: Orphanet 284963, Orphanet 558, MedGen C0024796, MONDO:0007947, OMIM 154700.
Familial thoracic aortic aneurysm and aortic dissection (TAAD). Also called: Thoracic aortic aneurysms and dissections. Identifiers: Orphanet 91387, MedGen C4707243, MONDO:0019625.
MASS syndrome (OCTD). Also called: OVERLAP CONNECTIVE TISSUE DISEASE; MASS PHENOTYPE. Identifiers: MedGen C1858556, MONDO:0011431, OMIM 604308.
Ectopia lentis 1, isolated, autosomal dominant (ECTOL1). Identifiers: Orphanet 1885, MedGen C3541518, MONDO:0007514, OMIM 129600.
Acromicric dysplasia (ACMICD). Also called: Acromicric skeletal dysplasia. Identifiers: Orphanet 969, MedGen C0265287, MONDO:0007055, OMIM 102370.
Stiff skin syndrome (SSKS). Identifiers: Orphanet 2833, MedGen C1861456, MONDO:0008492, OMIM 184900.
FBN1-related disorder. Also called: FBN1-related disorders.

Allele frequency attached by ClinVar (database versions not stated): TOPMed 0.00001; gnomAD 0.00006 and 0.00001; ExAC 0.00028; ESP Exome Variant Server 0.00008; gnomAD exomes 0.00012 and 0.00028; 1000 Genomes Project 0.00100; 1000 Genomes Project 30x 0.00094.
gnomAD v4.1: 183 of 1,613,814 alleles (0.011%); highest among the groups gnomAD compares: South Asian, 0.18%; 3 homozygotes.

Submissions (17):

Labcorp Genetics (formerly Invitae), Labcorp
Classification: Benign for Marfan syndrome; Familial thoracic aortic aneurysm and aortic dissection. Last evaluated: 2026-01-26. Review status: criteria provided, single submitter. Criteria: Invitae Variant Classification Sherloc (09022015). Collection method: clinical testing. Allele origin: germline.

Blueprint Genetics
Classification: Likely benign. Last evaluated: 2024-03-07. Review status: criteria provided, single submitter. Criteria: ACMG Guidelines, 2015. Collection method: clinical testing. Allele origin: germline.

All of Us Research Program, National Institutes of Health
Classification: Likely benign for Marfan syndrome. Last evaluated: 2024-02-05. Review status: criteria provided, single submitter. Criteria: ACMG Guidelines, 2015. Collection method: clinical testing. Allele origin: germline. Inheritance: Autosomal dominant inheritance. Observed: 9 variant alleles, 9 heterozygotes.
Comment: This study involves interpretation of variants in research participants for the purpose of population health screening. Participant phenotype was not available at the time of variant classification. Additional details can be found in publication PMID: 35346344, PMCID: PMC8962531

Human Genetics Unit, University Of Colombo
Classification: Uncertain significance for MASS syndrome. Last evaluated: 2023-08-14. Review status: criteria provided, single submitter. Criteria: ACMG Guidelines, 2015. Collection method: clinical testing. Allele origin: germline. Affected: yes. Observed: 1 variant allele.
Comment: The NM_000138.5:c.3089A>G is a missense variant in the FBN1 gene, resulting in the substitution of asparagine with serine at codon 1030 of the fibrillin-1 protein (p.Asn1030Ser). ClinVar classifies this variant as conflicting classifications of pathogenicity. Howeve, a number of high confidence submitters have classified as Benign and Likely Benign, 1 star (reviewed Mar '25, 15 submissions of which 2 are from high confidence submitters), citing PMID 28650953 [BP6]. Hot-spot of length 17 amino-acids has 15 missense/in-frame variants (6 pathogenic variants, 9 uncertain variants, and no benign), which qualifies as moderate pathogenic. UniProt protein P35555 domain 'EGF-like 15' has 69 missense/in-frame variants (41 pathogenic variants, 27 uncertain variants, and 1 benign variant), which qualifies as moderate pathogenic [PM1]. Multiple lines of In silico analyses supports that this variant has a deleterious effect on protein structure/function [PP3]. In summary, this variant meets criteria to be classified as variant of uncertain significance based on ACMG/AMP guidelines: PP3_Supporting, PP4_Supporting, PM1_Moderate, and BP6_Moderate.

Women's Health and Genetics/Laboratory Corporation of America, LabCorp
Classification: Benign. Last evaluated: 2021-06-01. Review status: criteria provided, single submitter. Criteria: LabCorp Variant Classification Summary - May 2015. Collection method: clinical testing. Allele origin: germline.
Comment: Variant summary: FBN1 c.3089A>G (p.Asn1030Ser) results in a conservative amino acid change located in the EGF-like domain (IPR000742) of the encoded protein sequence. Four of five in-silico tools predict a damaging effect of the variant on protein function. The variant allele was found at a frequency of 0.00028 in 251218 control chromosomes in the gnomAD database, including 2 homozygotes. The observed variant frequency is approximately 2.5 fold of the estimated maximal expected allele frequency for a pathogenic variant in FBN1 causing Marfan Syndrome phenotype (0.00011), strongly suggesting that the variant is benign. c.3089A>G has been reported in the literature in individuals affected with Marfan Syndrome (Wang_2017 cites Thornhill_2015). At-least one co-occurrence with another pathogenic variant has been reported (FBN1 c.235C>T, p.Gln79X), providing supporting evidence for a benign role. Therefore, these report(s) do not provide unequivocal conclusions about association of the variant with Marfan Syndrome.To our knowledge, no experimental evidence demonstrating an impact on protein function has been reported. Six clinical diagnostic laboratories have submitted clinical-significance assessments for this variant to ClinVar after 2014 without evidence for independent evaluation (benign/likely benign, n=5; VUS, n=1). Based on the evidence outlined above, the variant was classified as benign.

GeneDx
Classification: Likely benign. Last evaluated: 2020-05-18. Review status: criteria provided, single submitter. Criteria: GeneDx Variant Classification Process June 2021. Collection method: clinical testing. Allele origin: germline. Affected: yes.
Comment: This variant is associated with the following publications: (PMID: 25561157)

Genome Diagnostics Laboratory, The Hospital for Sick Children
Classification: Uncertain significance for Connective tissue disorder. Last evaluated: 2019-12-01. Review status: criteria provided, single submitter. Criteria: ACMG Guidelines, 2015. Collection method: clinical testing. Allele origin: germline.

Color Diagnostics, LLC DBA Color Health
Classification: Likely benign for Familial thoracic aortic aneurysm and aortic dissection. Last evaluated: 2018-10-04. Review status: criteria provided, single submitter. Criteria: ACMG Guidelines, 2015. Collection method: clinical testing. Allele origin: germline.

Illumina Laboratory Services, Illumina
Classification: Benign for Acromicric dysplasia. Last evaluated: 2018-01-12. Review status: criteria provided, single submitter. Criteria: ICSL Variant Classification Criteria 13 December 2019. Collection method: clinical testing. Allele origin: germline.
Comment: This variant was observed in the ICSL laboratory as part of a predisposition screen in an ostensibly healthy population. It had not been previously curated by ICSL or reported in the Human Gene Mutation Database (HGMD: prior to June 1st, 2018), and was therefore a candidate for classification through an automated scoring system. Utilizing variant allele frequency, disease prevalence and penetrance estimates, and inheritance mode, an automated score was calculated to assess if this variant is too frequent to cause the disease. Based on the score and internal cut-off values, a variant classified as benign is not then subjected to further curation. The score for this variant resulted in a classification of benign for this disease.

Illumina Laboratory Services, Illumina
Classification: Benign for Geleophysic dysplasia. Last evaluated: 2018-01-12. Review status: criteria provided, single submitter. Criteria: ICSL Variant Classification Criteria 13 December 2019. Collection method: clinical testing. Allele origin: germline.
Comment: the same text as in the submission from Illumina Laboratory Services, Illumina above.

Illumina Laboratory Services, Illumina
Classification: Benign for Ectopia lentis 1, isolated, autosomal dominant. Last evaluated: 2018-01-12. Review status: criteria provided, single submitter. Criteria: ICSL Variant Classification Criteria 13 December 2019. Collection method: clinical testing. Allele origin: germline.
Comment: the same text as in the submission from Illumina Laboratory Services, Illumina above.

Illumina Laboratory Services, Illumina
Classification: Uncertain significance for Familial thoracic aortic aneurysm and aortic dissection. Last evaluated: 2018-01-12. Review status: criteria provided, single submitter. Criteria: ICSL Variant Classification Criteria 13 December 2019. Collection method: clinical testing. Allele origin: germline.

Illumina Laboratory Services, Illumina
Classification: Benign for Stiff skin syndrome. Last evaluated: 2018-01-12. Review status: criteria provided, single submitter. Criteria: ICSL Variant Classification Criteria 13 December 2019. Collection method: clinical testing. Allele origin: germline.
Comment: the same text as in the submission from Illumina Laboratory Services, Illumina above.

Illumina Laboratory Services, Illumina
Classification: Likely benign for Marfan syndrome. Last evaluated: 2018-01-12. Review status: criteria provided, single submitter. Criteria: ICSL Variant Classification Criteria 13 December 2019. Collection method: clinical testing. Allele origin: germline.
Comment: This variant was observed in the ICSL laboratory as part of a predisposition screen in an ostensibly healthy population. It had not been previously curated by ICSL or reported in the Human Gene Mutation Database (HGMD: prior to June 1st, 2018), and was therefore a candidate for classification through an automated scoring system. Utilizing variant allele frequency, disease prevalence and penetrance estimates, and inheritance mode, an automated score was calculated to assess if this variant is too frequent to cause the disease. Based on the score and internal cut-off values, a variant classified as likely benign is not then subjected to further curation. The score for this variant resulted in a classification of likely benign for this disease.

Illumina Laboratory Services, Illumina
Classification: Benign for Weill-Marchesani syndrome. Last evaluated: 2018-01-12. Review status: criteria provided, single submitter. Criteria: ICSL Variant Classification Criteria 13 December 2019. Collection method: clinical testing. Allele origin: germline.
Comment: the same text as in the submission from Illumina Laboratory Services, Illumina above.

Ambry Genetics
Classification: Uncertain significance for Cardiovascular phenotype. Last evaluated: 2013-04-29. Review status: criteria provided, single submitter. Criteria: Ambry Autosomal Dominant and X-Linked criteria (10/2015). Collection method: clinical testing. Allele origin: germline. Observed: 1 variant allele.
Comment: There is insufficient or conflicting evidence for classification of this alteration.

PreventionGenetics, part of Exact Sciences
Classification: Likely benign for FBN1-related condition. Last evaluated: 2019-06-05. Review status: no assertion criteria provided. Collection method: clinical testing. Allele origin: germline. Not counted in ClinVar's aggregate classification.
Comment: This variant is classified as likely benign based on ACMG/AMP sequence variant interpretation guidelines (Richards et al. 2015 PMID: 25741868, with internal and published modifications).

Literature cited by the submitters: PubMed 28650953 (cited by Human Genetics Unit, University Of Colombo and Women's Health and Genetics/Laboratory Corporation of America, LabCorp).

NM_000138.5(FBN1):c.3089A>G (p.Asn1030Ser)

Gene: FBN1 (fibrillin 1; minus strand). Cytogenetic location: 15q21.1.
Variant type: single nucleotide variant.
Coding change: c.3089A>G on transcript NM_000138.5 (MANE Select); coding-DNA position 3089, A replaced by G.
Protein change: p.Asn1030Ser; replaces asparagine 1030 with serine.
Molecular consequence: missense variant.
Genome position (GRCh38, 1-based): chr15:48,488,487, T>C on the plus strand (A>G on the coding strand, the complement: FBN1 is on the minus strand). VCF-style: chr15-48488487-T-C. GRCh37 (hg19) VCF-style: chr15-48780684-T-C.
Other names: short protein forms N1030S.
Identifiers: ClinVar variation 263632 (VCV000263632.30), dbSNP rs375996640, ClinGen allele CA049873.